The following is an entry in ClinVar:

ClinVar aggregate classification (germline): Uncertain significance (1 of 4 stars; one submission).

Conditions:
ADORA2A-related condition.

Submission:

PreventionGenetics, part of Exact Sciences
Classification: Uncertain significance for ADORA2A-related condition. Last evaluated: 2025-06-03. Review status: criteria provided, single submitter. Criteria: ACMG Guidelines, 2015. Collection method: clinical testing. Allele origin: germline.
Comment: The ADORA2A c.571C>A variant is predicted to result in the amino acid substitution p.Leu191Met. To our knowledge, this variant has not been reported in the literature or in a large population database (gnomAD), indicating this variant is rare. At this time, the clinical significance of this variant is uncertain due to the absence of conclusive functional and genetic evidence.

NM_000675.6(ADORA2A):c.571C>A (p.Leu191Met)

Genes: ADORA2A (adenosine A2a receptor; plus strand), ADORA2A-AS1 (ADORA2A antisense RNA 1; minus strand), SPECC1L-ADORA2A (SPECC1L-ADORA2A readthrough (NMD candidate); plus strand). Cytogenetic location: 22q11.23.
Variant type: single nucleotide variant.
Coding change: c.571C>A on transcript NM_000675.6 (MANE Select); coding-DNA position 571, C replaced by A.
Protein change: p.Leu191Met; replaces leucine 191 with methionine.
Molecular consequence: missense variant. On other transcripts: non-coding transcript variant (3).
Genome position (GRCh38, 1-based): chr22:24,440,821, C>A. VCF-style: chr22-24440821-C-A. GRCh37 (hg19) VCF-style: chr22-24836789-C-A.
Other names: c.571C>A, p.Leu191Met (NM_001278497.2, NM_001278498.2, NM_001278499.2 and 1 more transcripts); short protein forms L191M.
Identifiers: ClinVar variation 4979816 (VCV004979816.1).
Genomic context (GRCh38, chr22:24,440,821, plus strand): 5'-GTGGTCCCCATGAACTACATGGTGTACTTCAACTTCTTTGCCTGTGTGCTGGTGCCCCTG[C>A]TGCTCATGCTGGGTGTCTATTTGCGGATCTTCCTGGCGGCGCGACGACAGCTGAAGCAGA-3'
Protein context (NP_000666.2, residues 181-201): NFFACVLVPL[Leu191Met]LMLGVYLRIF